The following is an entry in ClinVar:

ClinVar aggregate classification (germline): Benign/Likely benign. Review status: criteria provided, multiple submitters, no conflicts (2 of 4 stars). 3 submissions from 3 submitters: Benign (1); Likely benign (2). Last evaluated 2025-10-01.

Submissions (3):

Labcorp Genetics (formerly Invitae), Labcorp
Classification: Benign. Last evaluated: 2025-10-01. Review status: criteria provided, single submitter. Criteria: Invitae Variant Classification Sherloc (09022015). Collection method: clinical testing. Allele origin: germline.

Women's Health and Genetics/Laboratory Corporation of America, LabCorp
Classification: Likely benign. Last evaluated: 2025-09-04. Review status: criteria provided, single submitter. Criteria: LabCorp Variant Classification Summary - May 2015. Collection method: clinical testing. Allele origin: germline.
Comment: Variant summary: MCM3AP c.4137-11dupT alters a non-conserved nucleotide located at a position not widely known to affect splicing. Consensus agreement among computation tools predict no significant impact on normal splicing. However, these predictions have yet to be confirmed by functional studies. The variant allele was found at a frequency of 0.00016 in 215162 control chromosomes. This frequency is not significantly higher than estimated for disease-causing variants in MCM3AP, allowing no conclusion about variant significance. To our knowledge, no occurrence of c.4137-11dupT in individuals affected with MCM3AP-related conditions and no experimental evidence demonstrating its impact on protein function have been reported. ClinVar contains an entry for this variant (Variation ID: 1659456). Based on the evidence outlined above, the variant was classified as likely benign.

Blueprint Genetics
Classification: Likely benign. Last evaluated: 2024-10-04. Review status: criteria provided, single submitter. Criteria: ACMG Guidelines, 2015. Collection method: clinical testing. Allele origin: germline.

NM_003906.5(MCM3AP):c.4137-11dup

Genes: MCM3AP (minichromosome maintenance complex component 3 associated protein; minus strand), MCM3AP-AS1 (MCM3AP antisense RNA 1; plus strand). Cytogenetic location: 21q22.3.
Variant type: Duplication.
Coding change: c.4137-11dup on transcript NM_003906.5 (MANE Select); 11 bases into the intron before coding-DNA position 4137, one base duplicated (T; older notation c.4137-11dupT).
Molecular consequence: intron variant. On other transcripts: non-coding transcript variant (2).
Genome position (GRCh38, 1-based): chr21:46,251,693, A duplicated on the plus strand (T on the coding strand, the reverse complement: MCM3AP is on the minus strand); the first of 8 consecutive A bases (chr21:46,251,693-46,251,700); duplicating any one gives the same sequence. VCF-style (leftmost placement, unchanged base first): chr21-46251692-T-TA. GRCh37 (hg19) VCF-style: chr21-47671606-T-TA.
Other names: c.4137-11dupT (NM_003906.5).
Identifiers: ClinVar variation 1659456 (VCV001659456.10), dbSNP rs766274423, ClinGen allele CA10076216.